The following is an entry in ClinVar:

ClinVar aggregate classification (germline): Benign/Likely benign. Review status: criteria provided, multiple submitters, no conflicts (2 of 4 stars). 5 submissions from 5 submitters: Benign (3); Likely benign (2). Last evaluated 2026-02-01.

Conditions:
Autoimmune lymphoproliferative syndrome type 1. Also called: AUTOIMMUNE LYMPHOPROLIFERATIVE SYNDROME, TYPE I, AUTOSOMAL DOMINANT. Identifiers: Orphanet 3261, MedGen C2717884, MONDO:0011158, OMIM 601859.

Allele frequency attached by ClinVar (database versions not stated): gnomAD exomes 0.00039; ExAC 0.00050; TOPMed 0.00126; ESP Exome Variant Server 0.00131; gnomAD 0.00131 and 0.00135; 1000 Genomes Project 30x 0.00172; 1000 Genomes Project 0.00200.
gnomAD v4.1: 448 of 1,614,160 alleles (0.028%); highest among the groups gnomAD compares: African/African-American, 0.5%; 1 homozygote.

Submissions (5):

Labcorp Genetics (formerly Invitae), Labcorp
Classification: Benign for Autoimmune lymphoproliferative syndrome. Last evaluated: 2026-02-01. Review status: criteria provided, single submitter. Criteria: Invitae Variant Classification Sherloc (09022015). Collection method: clinical testing. Allele origin: germline.

Blueprint Genetics
Classification: Likely benign. Last evaluated: 2024-11-01. Review status: criteria provided, single submitter. Criteria: ACMG Guidelines, 2015. Collection method: clinical testing. Allele origin: germline.

CeGaT Center for Human Genetics Tuebingen
Classification: Likely benign. Last evaluated: 2024-10-01. Review status: criteria provided, single submitter. Criteria: CeGaT Center For Human Genetics Tuebingen Variant Classification Criteria Version 2. Collection method: clinical testing. Allele origin: germline. Affected: yes. Observed: 1 variant allele.
Comment: FAS: BP4, BP7

Illumina Laboratory Services, Illumina
Classification: Benign for Autoimmune lymphoproliferative syndrome type 1. Last evaluated: 2018-01-12. Review status: criteria provided, single submitter. Criteria: ICSL Variant Classification Criteria 13 December 2019. Collection method: clinical testing. Allele origin: germline.
Comment: This variant was observed in the ICSL laboratory as part of a predisposition screen in an ostensibly healthy population. It had not been previously curated by ICSL or reported in the Human Gene Mutation Database (HGMD: prior to June 1st, 2018), and was therefore a candidate for classification through an automated scoring system. Utilizing variant allele frequency, disease prevalence and penetrance estimates, and inheritance mode, an automated score was calculated to assess if this variant is too frequent to cause the disease. Based on the score and internal cut-off values, a variant classified as benign is not then subjected to further curation. The score for this variant resulted in a classification of benign for this disease.

Breakthrough Genomics
Classification: Benign. Review status: criteria provided, single submitter. Criteria: ACMG Guidelines, 2015. Collection method: not provided. Allele origin: germline. Inheritance: Autosomal dominant inheritance. Affected: yes.

NM_000043.6(FAS):c.33T>A (p.Val11=)

Gene: FAS (Fas cell surface death receptor; plus strand). Cytogenetic location: 10q23.31.
Variant type: single nucleotide variant.
Coding change: c.33T>A on transcript NM_000043.6 (MANE Select); coding-DNA position 33, T replaced by A.
Protein change: p.Val11=; no amino-acid change (valine 11 retained).
Molecular consequence: synonymous variant. On other transcripts: non-coding transcript variant (7).
Genome position (GRCh38, 1-based): chr10:89,003,031, T>A. VCF-style: chr10-89003031-T-A. GRCh37 (hg19) VCF-style: chr10-90762788-T-A.
Other names: c.33T>A, p.Val11= (NM_001320619.2, NM_152871.4, NM_152872.4).
Identifiers: ClinVar variation 301523 (VCV000301523.30), dbSNP rs113022949, ClinGen allele CA5593018.
Genomic context (GRCh38, chr10:89,003,031, plus strand): 5'-TTACCACGTTGCTTACTTCAGAAATCAATAAAATTCTCTTCATGCTTTTATTTTACAGGT[T>A]CTTACGTCTGTTGCTAGATTATCGTCCAAAAGTGTTAATGCCCAAGTGACTGACATCAAC-3'
Protein context (NP_000034.1, residues 1-21): MLGIWTLLPL[Val11=]LTSVARLSSK